The following is an entry in ClinVar:

ClinVar aggregate classification (germline): Uncertain significance. Review status: criteria provided, multiple submitters, no conflicts (2 of 4 stars). 3 submissions from 3 submitters: Uncertain significance (3). Last evaluated 2025-12-04.

Conditions:
Ataxia-telangiectasia syndrome (AT). Also called: LOUIS-BAR SYNDROME; Cerebello-oculocutaneous telangiectasia; Immunodeficiency with ataxia telangiectasia; Ataxia-telangiectasia, complementation group D; AT, COMPLEMENTATION GROUP C; ATAXIA-TELANGIECTASIA, COMPLEMENTATION GROUP A. Identifiers: Orphanet 100, MedGen C0004135, MONDO:0008840, OMIM 208900.
Hereditary cancer-predisposing syndrome. Also called: Neoplastic Syndromes, Hereditary; Tumor predisposition; Hereditary Cancer Syndrome; Hereditary neoplastic syndrome. Identifiers: Orphanet 140162, MedGen C0027672, MeSH D009386, MONDO:0015356.

gnomAD v4.1: 1 of 1,608,894 alleles (0.000062%); highest among the groups gnomAD compares: East Asian, 0.0022%; no homozygotes.

Submissions (3):

Ambry Genetics
Classification: Uncertain significance for Hereditary cancer-predisposing syndrome. Last evaluated: 2025-12-04. Review status: criteria provided, single submitter. Criteria: Ambry Variant Classification Scheme 2023. Collection method: clinical testing. Allele origin: germline.
Comment: The p.A1421V variant (also known as c.4262C>T), located in coding exon 28 of the ATM gene, results from a C to T substitution at nucleotide position 4262. The alanine at codon 1421 is replaced by valine, an amino acid with similar properties. In an assay testing ATM function, this variant showed a functionally normal result (Lee KS et al. Cell, 2025 Sep;188:5081-5099.e27). This amino acid position is highly conserved in available vertebrate species. In addition, the in silico prediction for this alteration is inconclusive. Based on the available evidence, the clinical significance of this variant remains unclear.

Labcorp Genetics (formerly Invitae), Labcorp
Classification: Uncertain significance for Ataxia-telangiectasia syndrome. Last evaluated: 2025-10-02. Review status: criteria provided, single submitter. Criteria: Invitae Variant Classification Sherloc (09022015). Collection method: clinical testing. Allele origin: germline.
Comment: This sequence change replaces alanine, which is neutral and non-polar, with valine, which is neutral and non-polar, at codon 1421 of the ATM protein (p.Ala1421Val). This variant is not present in population databases (gnomAD no frequency). This variant has not been reported in the literature in individuals affected with ATM-related conditions. ClinVar contains an entry for this variant (Variation ID: 1739181). Invitae Evidence Modeling of protein sequence and biophysical properties (such as structural, functional, and spatial information, amino acid conservation, physicochemical variation, residue mobility, and thermodynamic stability) indicates that this missense variant is not expected to disrupt ATM protein function with a negative predictive value of 95%. In summary, the available evidence is currently insufficient to determine the role of this variant in disease. Therefore, it has been classified as a Variant of Uncertain Significance.

GeneDx
Classification: Uncertain significance. Last evaluated: 2024-04-09. Review status: criteria provided, single submitter. Criteria: GeneDx Variant Classification Process June 2021. Collection method: clinical testing. Allele origin: germline. Affected: yes.
Comment: Not observed at significant frequency in large population cohorts (gnomAD); In silico analysis indicates that this missense variant does not alter protein structure/function; Has not been previously published as pathogenic or benign to our knowledge

Literature cited by the submitters: PubMed 40580951 (cited by Ambry Genetics).

NM_000051.4(ATM):c.4262C>T (p.Ala1421Val)

Gene: ATM (ATM serine/threonine kinase; plus strand). Cytogenetic location: 11q22.3.
Variant type: single nucleotide variant.
Coding change: c.4262C>T on transcript NM_000051.4 (MANE Select); coding-DNA position 4262, C replaced by T.
Protein change: p.Ala1421Val; replaces alanine 1421 with valine.
Molecular consequence: missense variant.
Genome position (GRCh38, 1-based): chr11:108,289,627, C>T. VCF-style: chr11-108289627-C-T. GRCh37 (hg19) VCF-style: chr11-108160354-C-T.
Other names: c.4262C>T, p.Ala1421Val (NM_001351834.2); short protein forms A1421V.
Identifiers: ClinVar variation 1739181 (VCV001739181.7), dbSNP rs2135759716, ClinGen allele CA382531168.
Genomic context (GRCh38, chr11:108,289,627, plus strand): 5'-TAAACAAGTTTTTACTAAATCTGTTTATTTTCTAGGATTCCTATCAGAAAATTCTTCTTG[C>T]CATATGTGAGCAAGCAGCTGAAACAAATAATGTTTATAAGAAGCACAGAATTCTTAAAAT-3'
Protein context (NP_000042.3, residues 1411-1431): SPDSYQKILL[Ala1421Val]ICEQAAETNN